The following continues an entry in ClinVar:

NM_000142.5(FGFR3):c.742C>T (p.Arg248Cys)

Gene: FGFR3. ClinVar aggregate classification (germline): Pathogenic. Pathogenic (50).

Submissions 36 to 53 of 63:

GeneDx
Classification: Pathogenic. Last evaluated: 2019-12-05. Review status: criteria provided, single submitter. Criteria: GeneDx Variant Classification Process June 2021. Collection method: clinical testing. Allele origin: germline. Affected: yes.
Comment: Reported many times in association with thanatophoric dysplasia type 1 (TD1) and is one of five common, recurrent pathogenic variants responsible for this severe skeletal dysplasia (Rousseau et al., 1996; Wilcox et al., 1998; Tavormina et al., 1995; Del Piccolo et al., 2015); Accounts for approximately 50% of thanatophoric dysplasia cases (Wilcox et al., 1998); Published functional studies indicate R248C alters FGFR3 dimer stabilization, activates FGFR3 by forming covalently bound dimers via disuldide bonds, and stimulates ERK phosphorylation (Del Piccolo et al., 2015; Foldynova-Trantirkova et al., 2012; Duperret et al., 2014); Not observed in large population cohorts (Lek et al., 2016); In silico analysis, which includes protein predictors and evolutionary conservation, supports a deleterious effect; This variant is associated with the following publications: (PMID: 24038754, 21639936, 16778799, 22106050, 20704477, 25671245, 8845844, 25606676, 20420824, 22045636, 23551494, 11241532, 24626198, 23786770, 19422094, 9215781, 17441958, 7773297, 18642369, 11754059, 27433940, 16841094, 19088846, 12108063, 17048442, 17375526, 20711586, 9182787, 29620724, 19789973, 30692697, 31299979, 31395954, 31218223, 31006186, 12833394, 9677066, 31994750, 32360156, 32668031, 32333414, 33258288)

Fulgent Genetics
Classification: Pathogenic for Achondroplasia; Malignant tumor of urinary bladder; Colorectal cancer; Hypochondroplasia; LADD syndrome 1; Epidermal nevus; Thanatophoric dysplasia type 1; Thanatophoric dysplasia, type 2; Germ cell tumor of testis; Muenke syndrome; Cervical cancer; Camptodactyly-tall stature-scoliosis-hearing loss syndrome; Crouzon syndrome-acanthosis nigricans syndrome; Severe achondroplasia-developmental delay-acanthosis nigricans syndrome. Last evaluated: 2018-10-31. Review status: criteria provided, single submitter. Criteria: ACMG Guidelines, 2015. Collection method: clinical testing. Allele origin: unknown.

Eurofins Ntd Llc (ga)
Classification: Pathogenic. Last evaluated: 2018-08-13. Review status: criteria provided, single submitter. Criteria: EGL ClinVar v180209 classification definitions. Collection method: clinical testing. Allele origin: germline. Observed: 2 variant alleles, 2 heterozygotes.

Clinical Genetics and Genomics, Karolinska University Hospital
Classification: Pathogenic. Last evaluated: 2017-05-10. Review status: criteria provided, single submitter. Criteria: ACMG Guidelines, 2015. Collection method: clinical testing. Allele origin: germline. Affected: yes. Observed: 2 variant alleles.

Institute of Human Genetics Munich, TUM University Hospital
Classification: Pathogenic for Thanatophoric dysplasia type 1. Last evaluated: 2016-12-08. Review status: criteria provided, single submitter. Criteria: Classification criteria August 2017. Collection method: clinical testing. Allele origin: germline. Inheritance: Autosomal dominant inheritance. Affected: yes. Observed: 1 heterozygote.

Genomic Diagnostic Laboratory, Division of Genomic Diagnostics, Children's Hospital of Philadelphia
Classification: Pathogenic for Thanatophoric dysplasia, type I. Last evaluated: 2016-10-20. Review status: criteria provided, single submitter. Criteria: DGD Variant Analysis Guidelines. Collection method: clinical testing. Allele origin: germline. Affected: yes. Observed: 1 variant allele.
Comment: Clinical Testing

Shanghai First Maternity and Infant Hospital, Tongji University
Classification: Pathogenic for Thanatophoric dysplasia type 1. Last evaluated: 2016-06-22. Review status: criteria provided, single submitter. Criteria: ACMG Guidelines, 2015. Collection method: clinical testing. Allele origin: de novo. Inheritance: Autosomal dominant inheritance. Affected: yes. Observed: 1 variant allele, 1 heterozygote.
Comment: PS2 De novo (both maternity and paternity confirmed) in a patient with the disease and no family history. PS3 Well-established in vitro or in vivo functional studies supportive of a damaging effect on the gene or gene product

Centre for Mendelian Genomics, University Medical Centre Ljubljana
Classification: Pathogenic for Cervical cancer. Last evaluated: 2016-01-01. Review status: criteria provided, single submitter. Criteria: ACMG Guidelines, 2015. Collection method: clinical testing. Allele origin: unknown. Affected: yes.
Comment: This variant was classified as: Pathogenic.

Centre for Mendelian Genomics, University Medical Centre Ljubljana
Classification: Pathogenic for Bell-shaped thorax; Bowed humerus; Disproportionate short-limb short stature; Femoral bowing; Growth delay; Lethal short-limbed short stature; Lower limb undergrowth; Narrow chest; Short ribs; Short stature; Skeletal dysplasia; Small for gestational age; Upper limb undergrowth. Last evaluated: 2015-05-08. Review status: criteria provided, single submitter. Criteria: ACMG Guidelines, 2015. Collection method: clinical testing. Allele origin: unknown. Affected: yes.

Clinical Genetics Service, Universitary Hospital 12 de Octubre
Classification: Pathogenic for Thanatophoric dysplasia type 1. Review status: criteria provided, single submitter. Criteria: ACMG Guidelines, 2015. Collection method: clinical testing. Allele origin: germline. Affected: yes.

Equipe Genetique des Anomalies du Developpement, Université de Bourgogne
Classification: Pathogenic for Hamartoma. Review status: criteria provided, single submitter. Criteria: ACMG Guidelines, 2015. Collection method: clinical testing. Allele origin: somatic. Affected: yes.

Genomic Medicine Lab, University of California San Francisco
Classification: Pathogenic for Thanatophoric dysplasia type 1. Review status: criteria provided, single submitter. Criteria: ACMG Guidelines, 2015. Collection method: clinical testing. Allele origin: unknown. Study: CSER.

Juno Genomics, Hangzhou Juno Genomics, Inc
Classification: Pathogenic for Achondroplasia; Malignant tumor of urinary bladder; Camptodactyly-tall stature-scoliosis-hearing loss syndrome; Cervical cancer; Colorectal cancer; Crouzon syndrome-acanthosis nigricans syndrome; Hypochondroplasia; Lacrimoauriculodentodigital syndrome 2; Muenke syndrome; Epidermal nevus; Severe achondroplasia-developmental delay-acanthosis nigricans syndrome; Germ cell tumor of testis; Thanatophoric dysplasia type 1; Thanatophoric dysplasia, type 2. Review status: criteria provided, single submitter. Criteria: ACMG Guidelines, 2015. Collection method: clinical testing. Allele origin: germline.
Comment: Absent from controls (or at extremely low frequency if recessive) in Genome Aggregation Database.;The prevalence of the variant in affected individuals is significantly increased compared to the prevalence in controls.;De novo (both maternity and paternity confirmed) in a patient with the disease and no family history.;Well-established in vitro or in vivo functional studies supportive of a damaging effect on the gene or gene product.

Kasturba Medical College, Manipal, Kasturba Medical College, Manipal, Manipal Academy of Higher Education, Manipal, India
Classification: Pathogenic for Achondroplasia. Review status: criteria provided, single submitter. Criteria: ACMG Guidelines, 2015. Collection method: clinical testing. Allele origin: de novo. Affected: yes.

Neuberg Centre For Genomic Medicine, NCGM
Classification: Pathogenic for Thanatophoric dysplasia, type 2. Review status: criteria provided, single submitter. Criteria: ACMG Guidelines, 2015. Collection method: clinical testing. Allele origin: germline. Inheritance: Autosomal dominant inheritance. Affected: yes.
Comment: The R248C missense variant in the FGFR3 gene has been reported with thanatophoric dysplasia I (TDI) and is one of five common, recurrent pathogenic variants responsible for this severe skeletal dysplasia (Tavormina et al., 1995; Del Piccolo et al., 2015). Recent functional studies have indicated the p.Arg248Cys variant promotes ligand-independent FGFR3 dimerization (Del Piccolo 2015), which is predicted to result in constitutive receptor activation, as is observed with other cysteine-substituted FGFR3 variants associated with TD type I (Adar 2002). The variant has been submitted to ClinVar as Pathogenic. The p.R248C variant is novel (not in any individuals) in gnomAD Exomes and is novel (not in any individuals) in 1000 Genomes. The p.R248C missense variant is predicted to be damaging by both SIFT and PolyPhen2. The arginine residue at codon 248 of FGFR3 is conserved in all mammalian species. The nucleotide c.742 in FGFR3 is predicted conserved by GERP++ and PhyloP across 100 vertebrates. For these reasons, this variant has been classified as Pathogenic.

PreventionGenetics, part of Exact Sciences
Classification: Pathogenic for FGFR3-related condition. Last evaluated: 2024-03-29. Review status: no assertion criteria provided. Collection method: clinical testing. Allele origin: germline. Not counted in ClinVar's aggregate classification.
Comment: The FGFR3 c.742C>T variant is predicted to result in the amino acid substitution p.Arg248Cys. This variant has repeatedly been reported to be causative for autosomal dominant thanatophoric dysplasia (Tavormina et al. 1995. PubMed ID: 7773297; Camera et al. 2001. PubMed ID: 11754059; Castori et al. 2013. PubMed ID: 24038754; Table S3b, Wojcik et al. 2019. PubMed ID: 31395954; Table S1, Maddirevula et al. 2018. PubMed ID: 29620724). This variant has not been reported in a large population database, indicating this variant is rare. This variant is interpreted as pathogenic.

Clinical Laboratory Sciences Program (CLSP), King Saud bin Abdulaziz University for Health Sciences (KSAU-HS)
Classification: Pathogenic for Thanatophoric dysplasia type 1. Last evaluated: 2023-04-01. Review status: no assertion criteria provided. Collection method: clinical testing. Allele origin: germline. Affected: yes. Not counted in ClinVar's aggregate classification.

Institute of Medical Genetics and Genomics, Sir Ganga Ram Hospital
Classification: Pathogenic for Thanatophoric dysplasia type 1. Last evaluated: 2022-01-30. Review status: no assertion criteria provided. Collection method: clinical testing. Allele origin: de novo. Inheritance: Autosomal dominant inheritance. Affected: yes. Observed: 1 heterozygote. Not counted in ClinVar's aggregate classification.
Comment: The heterozygous mis-sense insertion variant c.742C>T (p.R248C) has been previously reported by Tavormina P L et al in 1995 and it has not been observed in gnomAD and 1000g. In-silico bioinformatic software predict this variant by mutation taster as Disease causing and SIFT & PROVEAN as Damaging. Thanatophoric Dysplasia type I is an autosomal dominant disorder. Based on the phenotypic observation, we classify this variant as pathogenic.